The following is an entry in ClinVar:

NM_000412.5(HRG):c.236C>G (p.Ser79Trp)

Genes: HRG (histidine rich glycoprotein; plus strand), LOC126806897 (BRD4-independent group 4 enhancer GRCh37_chr3:186386725-186387924; plus strand). Cytogenetic location: 3q27.3.
Variant type: single nucleotide variant.
Coding change: c.236C>G on transcript NM_000412.5 (MANE Select); coding-DNA position 236, C replaced by G.
Protein change: p.Ser79Trp; replaces serine 79 with tryptophan.
Molecular consequence: missense variant.
Genome position (GRCh38, 1-based): chr3:186,668,987, C>G. VCF-style: chr3-186668987-C-G. GRCh37 (hg19) VCF-style: chr3-186386776-C-G.
Other names: p.Ser79Trp; short protein forms S79W.
Identifiers: ClinVar variation 2654336 (VCV002654336.25), dbSNP rs4516605, ClinGen allele CA2745581.
Genomic context (GRCh38, chr3:186,668,987, plus strand): 5'-TTCCTCAGGAAAATACAACTGTATATTACTTAGTCTTAGATGTGCAAGAATCGGACTGTT[C>G]GGTCCTATCCAGGAAATACTGGAATGACTGTGAGCCACCTGATTCCAGACGTCCATCTGA-3'
Protein context (NP_000403.1, residues 69-89): LVLDVQESDC[Ser79Trp]VLSRKYWNDC

ClinVar aggregate classification (germline): Benign/Likely benign. Review status: criteria provided, multiple submitters, no conflicts (2 of 4 stars). 2 submissions from 2 submitters: Benign (1); Likely benign (1). Last evaluated 2026-04-01.

Allele frequency attached by ClinVar (database versions not stated): 1000 Genomes Project 0.00260; 1000 Genomes Project 30x 0.00297; ESP Exome Variant Server 0.00561; ExAC 0.00687.
gnomAD v4.1: 11,434 of 1,612,112 alleles (0.71%); highest among the groups gnomAD compares: Non-Finnish European, 0.74%; 70 homozygotes.

Submissions (2):

CeGaT Center for Human Genetics Tuebingen
Classification: Likely benign. Last evaluated: 2026-04-01. Review status: criteria provided, single submitter. Criteria: CeGaT Center For Human Genetics Tuebingen Variant Classification Criteria Version 2. Collection method: clinical testing. Allele origin: germline. Affected: yes. Observed: 3 variant alleles.
Comment: HRG: BP4, BS2

Mayo Clinic Laboratories, Mayo Clinic
Classification: Benign. Last evaluated: 2024-05-07. Review status: criteria provided, single submitter. Criteria: ACMG Guidelines, 2015. Collection method: clinical testing. Allele origin: germline. Observed: 3 variant alleles.
Comment: BS1, BS2, BP4, PM1_supporting